The following is an entry in ClinVar:

ClinVar aggregate classification (germline): Uncertain significance. Review status: criteria provided, multiple submitters, no conflicts (2 of 4 stars). 2 submissions from 2 submitters: Uncertain significance (2). Last evaluated 2024-04-18.

Conditions:
Familial sleep-related hypermotor epilepsy. Also called: Autosomal Dominant Sleep-Related Hypermotor (Hyperkinetic) Epilepsy. Identifiers: Orphanet 98784, MedGen C3696898, MONDO:0000030.

Allele frequency attached by ClinVar (database versions not stated): gnomAD exomes below 0.00001.

Submissions (2):

GeneDx
Classification: Uncertain significance. Last evaluated: 2024-04-18. Review status: criteria provided, single submitter. Criteria: GeneDx Variant Classification Process June 2021. Collection method: clinical testing. Allele origin: germline. Affected: yes.
Comment: Not observed at significant frequency in large population cohorts (gnomAD); In silico analysis indicates that this missense variant does not alter protein structure/function; Has not been previously published as pathogenic or benign to our knowledge

Labcorp Genetics (formerly Invitae), Labcorp
Classification: Uncertain significance. Last evaluated: 2023-01-11. Review status: criteria provided, single submitter. Criteria: Invitae Variant Classification Sherloc (09022015). Collection method: clinical testing. Allele origin: germline.
Comment: This variant has not been reported in the literature in individuals affected with CHRNB2-related conditions. ClinVar contains an entry for this variant (Variation ID: 1445439). Advanced modeling of protein sequence and biophysical properties (such as structural, functional, and spatial information, amino acid conservation, physicochemical variation, residue mobility, and thermodynamic stability) performed at Invitae indicates that this missense variant is not expected to disrupt CHRNB2 protein function. In summary, the available evidence is currently insufficient to determine the role of this variant in disease. Therefore, it has been classified as a Variant of Uncertain Significance. This variant is not present in population databases (gnomAD no frequency). This sequence change replaces alanine, which is neutral and non-polar, with threonine, which is neutral and polar, at codon 252 of the CHRNB2 protein (p.Ala252Thr).

NM_000748.3(CHRNB2):c.754G>A (p.Ala252Thr)

Gene: CHRNB2 (cholinergic receptor nicotinic beta 2 subunit; plus strand). Cytogenetic location: 1q21.3.
Variant type: single nucleotide variant.
Coding change: c.754G>A on transcript NM_000748.3 (MANE Select); coding-DNA position 754, G replaced by A.
Protein change: p.Ala252Thr; replaces alanine 252 with threonine.
Molecular consequence: missense variant.
Genome position (GRCh38, 1-based): chr1:154,571,577, G>A. VCF-style: chr1-154571577-G-A. GRCh37 (hg19) VCF-style: chr1-154544053-G-A.
Other names: c.754G>A (NM_000748.2); short protein forms A252T.
Identifiers: ClinVar variation 1445439 (VCV001445439.7), dbSNP rs2101521069, ClinGen allele CA342630763.